The following is an entry in ClinVar:

ClinVar aggregate classification (germline): Uncertain significance. Review status: criteria provided, multiple submitters, no conflicts (2 of 4 stars). 4 submissions from 4 submitters: Uncertain significance (3). 1 of the submissions does not count toward it. Last evaluated 2024-05-01.

Conditions:
Retinal dystrophy. Also called: Inherited retinal dystrophy. Identifiers: Orphanet 71862, MedGen C0854723, MeSH D058499, MONDO:0019118, HP:0000556.
Vitelliform macular dystrophy 2. Also called: MACULAR DEGENERATION, POLYMORPHIC VITELLINE; VITELLIFORM MACULAR DYSTROPHY, EARLY-ONSET; VITELLIFORM MACULAR DYSTROPHY, JUVENILE-ONSET; Best Macular Dystrophy; Best vitelliform macular dystrophy, multifocal; Best Vitelliform Macular Dystrophy (BVMD). Identifiers: Orphanet 1243, MedGen C2745945, MONDO:0007931, OMIM 153700.

Allele frequency attached by ClinVar (database versions not stated): TOPMed below 0.00001; ExAC 0.00001; gnomAD 0.00001; gnomAD exomes 0.00001.
gnomAD v4.1: 14 of 1,613,998 alleles (0.00087%); highest among the groups gnomAD compares: Non-Finnish European, 0.0012%; no homozygotes.

Submissions (4):

CeGaT Center for Human Genetics Tuebingen
Classification: Uncertain significance. Last evaluated: 2024-05-01. Review status: criteria provided, single submitter. Criteria: CeGaT Center For Human Genetics Tuebingen Variant Classification Criteria Version 2. Collection method: clinical testing. Allele origin: germline. Affected: yes. Observed: 1 variant allele.
Comment: BEST1: PM1, PM2

MVZ Medizinische Genetik Mainz
Classification: Uncertain significance for Vitelliform macular dystrophy 2. Last evaluated: 2022-09-01. Review status: criteria provided, single submitter. Criteria: UK Practice Guidelines For Variant Classification V4 01 2020. Collection method: clinical testing. Allele origin: germline. Inheritance: Autosomal dominant inheritance. Affected: yes. Observed: 1 variant allele.
Comment: ACMG Criteria: PM2_SUP, PP3

Blueprint Genetics
Classification: Uncertain significance. Last evaluated: 2019-12-23. Review status: criteria provided, single submitter. Criteria: ACMG Guidelines, 2015. Collection method: clinical testing. Allele origin: germline.

Institute of Human Genetics, Univ. Regensburg, Univ. Regensburg
Classification: Likely pathogenic for Retinal dystrophy. Last evaluated: 2019-01-01. Review status: no assertion criteria provided. Criteria: ACMG Guidelines, 2015. Collection method: clinical testing. Allele origin: germline. Affected: yes. Not counted in ClinVar's aggregate classification.

NM_004183.4(BEST1):c.200T>C (p.Leu67Pro)

Gene: BEST1 (bestrophin 1; plus strand). Cytogenetic location: 11q12.3.
Variant type: single nucleotide variant.
Coding change: c.200T>C on transcript NM_004183.4 (MANE Select); coding-DNA position 200, T replaced by C.
Protein change: p.Leu67Pro; replaces leucine 67 with proline.
Molecular consequence: missense variant. On other transcripts: non-coding transcript variant (1).
Genome position (GRCh38, 1-based): chr11:61,955,154, T>C. VCF-style: chr11-61955154-T-C. GRCh37 (hg19) VCF-style: chr11-61722626-T-C.
Other names: c.20T>C, p.Leu7Pro (NM_001139443.3, NM_001300786.2, NM_001300787.2); c.200T>C, p.Leu67Pro (NM_001363592.2); short protein forms L67P, L7P.
Identifiers: ClinVar variation 3236809 (VCV003236809.21), dbSNP rs780945143.